The following is an entry in ClinVar:

ClinVar aggregate classification (germline): Uncertain significance. Review status: criteria provided, multiple submitters, no conflicts (2 of 4 stars). 2 submissions from 2 submitters: Uncertain significance (2). Last evaluated 2024-05-20.

Conditions:
Autosomal recessive limb-girdle muscular dystrophy type R18 (LGMDR18). Also called: MUSCULAR DYSTROPHY, LIMB-GIRDLE, AUTOSOMAL RECESSIVE 18; Autosomal recessive limb-girdle muscular dystrophy type 2S; Limb-girdle muscular dystrophy, type 2S. Identifiers: Orphanet 369840, MedGen C4517996, MONDO:0014144, OMIM 615356.

Submissions (2):

Revvity Omics, Revvity
Classification: Uncertain significance for Autosomal recessive limb-girdle muscular dystrophy type R18. Last evaluated: 2024-05-20. Review status: criteria provided, single submitter. Criteria: ACMG Guidelines, 2015. Collection method: clinical testing. Allele origin: germline.

Labcorp Genetics (formerly Invitae), Labcorp
Classification: Uncertain significance for Autosomal recessive limb-girdle muscular dystrophy type R18. Last evaluated: 2018-04-19. Review status: criteria provided, single submitter. Criteria: Invitae Variant Classification Sherloc (09022015). Collection method: clinical testing. Allele origin: germline.
Comment: In summary, the available evidence is currently insufficient to determine the role of this variant in disease. Therefore, it has been classified as a Variant of Uncertain Significance. Algorithms developed to predict the effect of missense changes on protein structure and function (SIFT, PolyPhen-2, Align-GVGD) all suggest that this variant is likely to be tolerated, but these predictions have not been confirmed by published functional studies and their clinical significance is uncertain. This variant has not been reported in the literature in individuals with TRAPPC11-related disease. This variant is not present in population databases (ExAC no frequency). This sequence change replaces glutamine with leucine at codon 220 of the TRAPPC11 protein (p.Gln220Leu). The glutamine residue is highly conserved and there is a moderate physicochemical difference between glutamine and leucine.

NM_021942.6(TRAPPC11):c.659A>T (p.Gln220Leu)

Gene: TRAPPC11 (trafficking protein particle complex subunit 11; plus strand). Cytogenetic location: 4q35.1.
Variant type: single nucleotide variant.
Coding change: c.659A>T on transcript NM_021942.6 (MANE Select); coding-DNA position 659, A replaced by T.
Protein change: p.Gln220Leu; replaces glutamine 220 with leucine.
Molecular consequence: missense variant.
Genome position (GRCh38, 1-based): chr4:183,674,811, A>T. VCF-style: chr4-183674811-A-T. GRCh37 (hg19) VCF-style: chr4-184595964-A-T.
Other names: c.659A>T, p.Gln220Leu (NM_199053.3); short protein forms Q220L.
Identifiers: ClinVar variation 576207 (VCV000576207.10), dbSNP rs1561035054, ClinGen allele CA358861093.
Genomic context (GRCh38, chr4:183,674,811, plus strand): 5'-ACTACACTGAGATCAGAAGAGTGAAATCTCATAAAGAATTTTTGAATAAAACAACACACC[A>T]GGTGCGTGATTTTTTGCAATAATAGAAGCATTCTGGAGCGGATTATTATTATTTTTGAGG-3'
Protein context (NP_068761.4, residues 210-230): HKEFLNKTTH[Gln220Leu]LLFVRHQFKI